The following is an entry in ClinVar:

NM_000138.5(FBN1):c.6576C>G (p.Cys2192Trp)

Gene: FBN1 (fibrillin 1; minus strand). Cytogenetic location: 15q21.1.
Variant type: single nucleotide variant.
Coding change: c.6576C>G on transcript NM_000138.5 (MANE Select); coding-DNA position 6576, C replaced by G.
Protein change: p.Cys2192Trp; replaces cysteine 2192 with tryptophan.
Molecular consequence: missense variant.
Genome position (GRCh38, 1-based): chr15:48,434,634, G>C on the plus strand (C>G on the coding strand, the complement: FBN1 is on the minus strand). VCF-style: chr15-48434634-G-C. GRCh37 (hg19) VCF-style: chr15-48726831-G-C.
Other names: short protein forms C2192W.
Identifiers: ClinVar variation 406333 (VCV000406333.10), dbSNP rs369058466, ClinGen allele CA16614406.

ClinVar aggregate classification (germline): Pathogenic. Review status: criteria provided, single submitter (1 of 4 stars). 2 submissions from 2 submitters: Pathogenic (1). 1 of the submissions does not count toward it. Last evaluated 2025-11-03.

Conditions:
Marfan syndrome (MFS). Also called: Marfan syndrome, classic; Marfan syndrome type 1; Marfan's syndrome; MARFAN SYNDROME, TYPE I; FBN1-Related Marfan Syndrome. Identifiers: Orphanet 284963, Orphanet 558, MedGen C0024796, MONDO:0007947, OMIM 154700.
Familial thoracic aortic aneurysm and aortic dissection (TAAD). Also called: Thoracic aortic aneurysms and dissections. Identifiers: Orphanet 91387, MedGen C4707243, MONDO:0019625.

Submissions (2):

Labcorp Genetics (formerly Invitae), Labcorp
Classification: Pathogenic for Marfan syndrome; Familial thoracic aortic aneurysm and aortic dissection. Last evaluated: 2025-11-03. Review status: criteria provided, single submitter. Criteria: Invitae Variant Classification Sherloc (09022015). Collection method: clinical testing. Allele origin: germline.
Comment: This sequence change replaces cysteine, which is neutral and slightly polar, with tryptophan, which is neutral and slightly polar, at codon 2192 of the FBN1 protein (p.Cys2192Trp). This variant is not present in population databases (gnomAD no frequency). This missense change has been observed in individuals with Marfan syndrome (PMID: 28383843; internal data). ClinVar contains an entry for this variant (Variation ID: 406333). Invitae Evidence Modeling of protein sequence and biophysical properties (such as structural, functional, and spatial information, amino acid conservation, physicochemical variation, residue mobility, and thermodynamic stability) indicates that this missense variant is expected to disrupt FBN1 protein function with a positive predictive value of 95%. This variant affects a cysteine residue in the EGF-like, TGFBP or hybrid motif domains of FBN1. Cysteine residues are believed to be involved in intramolecular disulfide bridges and have been shown to be important for FBN1 protein structure (PMID: 16905551, 19349279). In addition, missense substitutions affecting cysteine residues within these domains are significantly overrepresented among patients with Marfan syndrome (PMID: 16571647, 17701892). For these reasons, this variant has been classified as Pathogenic.

Center for Medical Genetics Ghent, University of Ghent
Classification: Likely pathogenic for Marfan syndrome. Last evaluated: 2017-11-07. Review status: no assertion criteria provided. Collection method: clinical testing. Allele origin: germline. Affected: yes. Not counted in ClinVar's aggregate classification.

Literature cited by the submitters: PubMed 28383843 (cited by Labcorp Genetics (formerly Invitae), Labcorp); PubMed 16905551 (cited by Labcorp Genetics (formerly Invitae), Labcorp); PubMed 19349279 (cited by Labcorp Genetics (formerly Invitae), Labcorp); PubMed 16571647 (cited by Labcorp Genetics (formerly Invitae), Labcorp); PubMed 17701892 (cited by Labcorp Genetics (formerly Invitae), Labcorp).